The following is an entry in ClinVar:

NM_001099857.5(IKBKG):c.1060G>A (p.Glu354Lys)

Gene: IKBKG (inhibitor of nuclear factor kappa B kinase regulatory subunit gamma; plus strand). Cytogenetic location: Xq28.
Variant type: single nucleotide variant.
Coding change: c.1060G>A on transcript NM_001099857.5 (MANE Select); coding-DNA position 1060, G replaced by A.
Protein change: p.Glu354Lys; replaces glutamic acid 354 with lysine.
Molecular consequence: missense variant. On other transcripts: non-coding transcript variant (1).
Genome position (GRCh38, 1-based): chrX:154,563,963, G>A. VCF-style: chrX-154563963-G-A. GRCh37 (hg19) VCF-style: chrX-153792178-G-A.
Other names: c.1264G>A, p.Glu422Lys (NM_001099856.6); c.763G>A, p.Glu255Lys (NM_001145255.4); c.1060G>A, p.Glu354Lys (NM_001321396.3, NM_001377312.1, NM_003639.4); c.1057G>A, p.Glu353Lys (NM_001321397.3, NM_001377313.1); c.904G>A, p.Glu302Lys (NM_001377314.1); c.691G>A, p.Glu231Lys (NM_001377315.1); c.1060G>A (NM_001099857.1); short protein forms E354K, E255K, E422K, E353K, E231K, E302K.
Identifiers: ClinVar variation 633273 (VCV000633273.3), dbSNP rs782406063, ClinGen allele CA10566454.

ClinVar aggregate classification (germline): Conflicting classifications of pathogenicity. Review status: criteria provided, conflicting classifications (1 of 4 stars). 2 submissions from 2 submitters: Uncertain significance (1); Likely benign (1). Last evaluated 2022-12-27.

Conditions:
Inborn genetic diseases. Identifiers: MedGen C0950123, MeSH D030342.

Allele frequency attached by ClinVar (database versions not stated): ExAC 0.00676.

Submissions (2):

Ambry Genetics
Classification: Likely benign for Inborn genetic diseases. Last evaluated: 2022-12-27. Review status: criteria provided, single submitter. Criteria: Ambry Variant Classification Scheme 2023. Collection method: clinical testing. Allele origin: germline.

Women's Health and Genetics/Laboratory Corporation of America, LabCorp
Classification: Uncertain significance. Last evaluated: 2018-06-12. Review status: criteria provided, single submitter. Criteria: LabCorp Variant Classification Summary - May 2015. Collection method: clinical testing. Allele origin: germline.
Comment: Variant summary: IKBKG c.1060G>A (p.Glu354Lys) results in a conservative amino acid change in the encoded protein sequence. Three of four in-silico tools predict a damaging effect of the variant on protein function. The variant was absent in 43785 control chromosomes. The available data on variant occurrences in the general population are insufficient to allow any conclusion about variant significance. To our knowledge, no occurrence of c.1060G>A in individuals affected with Hypohidrotic Ectodermal Dysplasia with Immunodeficiency and no experimental evidence demonstrating its impact on protein function have been reported. No clinical diagnostic laboratories have submitted clinical-significance assessments for this variant to ClinVar after 2014. Based on the evidence outlined above, the variant was classified as uncertain significance.